The following is an entry in ClinVar:

NM_152594.3(SPRED1):c.423+2T>C

Gene: SPRED1 (sprouty related EVH1 domain containing 1; plus strand). Cytogenetic location: 15q14.
Variant type: single nucleotide variant.
Coding change: c.423+2T>C on transcript NM_152594.3 (MANE Select); the canonical splice donor site of the intron after coding-DNA position 423, T replaced by C.
Molecular consequence: splice donor variant.
Genome position (GRCh38, 1-based): chr15:38,324,811, T>C. VCF-style: chr15-38324811-T-C. GRCh37 (hg19) VCF-style: chr15-38617012-T-C.
Identifiers: ClinVar variation 505193 (VCV000505193.5), dbSNP rs1555391161, ClinGen allele CA391932388.

ClinVar aggregate classification (germline): Pathogenic (1 of 4 stars; one submission).

Conditions:
Legius syndrome. Identifiers: Orphanet 137605, MedGen C1969623, MONDO:0012669, OMIM 611431. Disease mechanism: loss of function.

Submission:

Laboratory for Molecular Medicine, Mass General Brigham Personalized Medicine
Classification: Pathogenic for Legius syndrome. Last evaluated: 2016-06-24. Review status: criteria provided, single submitter. Criteria: LMM Criteria. Collection method: clinical testing. Allele origin: germline. Inheritance: Autosomal dominant inheritance. Observed: 1 variant allele.
Comment: The c.423+2T>C variant in SPRED1 has not been previously reported in individuals with a RASopathy or in large population studies. This variant occurs in the inv ariant region (+/- 1,2) of the splice consensus sequence and is predicted to cau se altered splicing leading to an abnormal or absent protein. Heterozygous loss of function of the SPRED1 gene is an established disease mechanism in individual s with Legius syndrome. In summary, this variant meets our criteria to be classi fied as pathogenic for Legius syndrome in an autosomal dominant manner based upo n absence from controls and the predicted impact of the protein.